The following is an entry in ClinVar:

NM_001846.4(COL4A2):c.1180G>A (p.Gly394Arg)

Gene: COL4A2 (collagen type IV alpha 2 chain; plus strand). Cytogenetic location: 13q34.
Variant type: single nucleotide variant.
Coding change: c.1180G>A on transcript NM_001846.4 (MANE Select); coding-DNA position 1180, G replaced by A.
Protein change: p.Gly394Arg; replaces glycine 394 with arginine.
Molecular consequence: missense variant.
Genome position (GRCh38, 1-based): chr13:110,449,780, G>A. VCF-style: chr13-110449780-G-A. GRCh37 (hg19) VCF-style: chr13-111102127-G-A.
Other names: c.1180G>A (NM_001846.2); short protein forms G394R.
Identifiers: ClinVar variation 2962043 (VCV002962043.6), dbSNP rs866443796, ClinGen allele CA256300990.

ClinVar aggregate classification (germline): Conflicting classifications of pathogenicity. Review status: criteria provided, conflicting classifications (1 of 4 stars). 4 submissions from 4 submitters: Uncertain significance (3); Likely benign (1). Last evaluated 2024-11-11.

Conditions:
Inborn genetic diseases. Identifiers: MedGen C0950123, MeSH D030342.

Allele frequency attached by ClinVar (database versions not stated): gnomAD exomes 0.00001; TOPMed 0.00003; gnomAD 0.00005.
gnomAD v4.1: 22 of 1,547,716 alleles (0.0014%); highest among the groups gnomAD compares: African/African-American, 0.014%; no homozygotes.

Submissions (4):

Labcorp Genetics (formerly Invitae), Labcorp
Classification: Uncertain significance. Last evaluated: 2024-11-11. Review status: criteria provided, single submitter. Criteria: Invitae Variant Classification Sherloc (09022015). Collection method: clinical testing. Allele origin: germline.
Comment: This sequence change replaces glycine, which is neutral and non-polar, with arginine, which is basic and polar, at codon 394 of the COL4A2 protein (p.Gly394Arg). This variant is present in population databases (no rsID available, gnomAD 0.009%). This variant has not been reported in the literature in individuals affected with COL4A2-related conditions. ClinVar contains an entry for this variant (Variation ID: 2962043). Invitae Evidence Modeling of protein sequence and biophysical properties (such as structural, functional, and spatial information, amino acid conservation, physicochemical variation, residue mobility, and thermodynamic stability) indicates that this missense variant is not expected to disrupt COL4A2 protein function with a negative predictive value of 95%. In summary, the available evidence is currently insufficient to determine the role of this variant in disease. Therefore, it has been classified as a Variant of Uncertain Significance.

Ambry Genetics
Classification: Uncertain significance for Inborn genetic diseases. Last evaluated: 2024-06-13. Review status: criteria provided, single submitter. Criteria: Ambry Variant Classification Scheme 2023. Collection method: clinical testing. Allele origin: germline.

Women's Health and Genetics/Laboratory Corporation of America, LabCorp
Classification: Uncertain significance. Last evaluated: 2024-06-11. Review status: criteria provided, single submitter. Criteria: LabCorp Variant Classification Summary - May 2015. Collection method: clinical testing. Allele origin: germline.
Comment: Variant summary: COL4A2 c.1180G>A (p.Gly394Arg) results in a non-conservative amino acid change in the encoded protein sequence. Four of five in-silico tools predict a benign effect of the variant on protein function. The variant allele was found at a frequency of 2e-05 in 150926 control chromosomes. The available data on variant occurrences in the general population are insufficient to allow any conclusion about variant significance. To our knowledge, no occurrence of c.1180G>A in individuals affected with Porencephaly 2 and no experimental evidence demonstrating its impact on protein function have been reported. ClinVar contains an entry for this variant (Variation ID: 2962043). Based on the evidence outlined above, the variant was classified as uncertain significance.

Blueprint Genetics
Classification: Likely benign. Last evaluated: 2023-04-04. Review status: criteria provided, single submitter. Criteria: ACMG Guidelines, 2015. Collection method: clinical testing. Allele origin: germline.